The following is an entry in ClinVar:

NM_032043.3(BRIP1):c.1672T>C (p.Trp558Arg)

Gene: BRIP1 (BRCA1 interacting DNA helicase 1; minus strand). Cytogenetic location: 17q23.2.
Variant type: single nucleotide variant.
Coding change: c.1672T>C on transcript NM_032043.3 (MANE Select); coding-DNA position 1672, T replaced by C.
Protein change: p.Trp558Arg; replaces tryptophan 558 with arginine.
Molecular consequence: missense variant.
Genome position (GRCh38, 1-based): chr17:61,780,962, A>G on the plus strand (T>C on the coding strand, the complement: BRIP1 is on the minus strand). VCF-style: chr17-61780962-A-G. GRCh37 (hg19) VCF-style: chr17-59858323-A-G.
Other names: short protein forms W558R.
Identifiers: ClinVar variation 530346 (VCV000530346.20), dbSNP rs767648925, ClinGen allele CA8690688.

ClinVar aggregate classification (germline): Uncertain significance. Review status: criteria provided, multiple submitters, no conflicts (2 of 4 stars). 5 submissions from 5 submitters: Uncertain significance (5). Last evaluated 2025-05-05.

Conditions:
Familial ovarian cancer. Identifiers: MedGen C5679802, MONDO:0016248.
Familial cancer of breast. Also called: BREAST CANCER, FAMILIAL; hereditary breast carcinoma; Hereditary breast cancer. Identifiers: Orphanet 227535, MedGen C0346153, MONDO:0016419, OMIM 114480. Disease mechanism: loss of function.
Hereditary cancer-predisposing syndrome. Also called: Neoplastic Syndromes, Hereditary; Hereditary neoplastic syndrome; Tumor predisposition; Hereditary Cancer Syndrome. Identifiers: Orphanet 140162, MedGen C0027672, MeSH D009386, MONDO:0015356.
Fanconi anemia complementation group J. Also called: BRIP1-Related Fanconi Anemia. Identifiers: Orphanet 84, MedGen C1836860, MONDO:0012187, OMIM 609054.

Allele frequency attached by ClinVar (database versions not stated): gnomAD exomes below 0.00001 and 0.00001; ExAC 0.00001.
gnomAD v4.1: 2 of 1,614,082 alleles (0.00012%); highest among the groups gnomAD compares: Non-Finnish European, 0.00017%; no homozygotes.

Submissions (5):

Labcorp Genetics (formerly Invitae), Labcorp
Classification: Uncertain significance for Familial cancer of breast; Fanconi anemia complementation group J. Last evaluated: 2025-05-05. Review status: criteria provided, single submitter. Criteria: Invitae Variant Classification Sherloc (09022015). Collection method: clinical testing. Allele origin: germline.
Comment: This sequence change replaces tryptophan, which is neutral and slightly polar, with arginine, which is basic and polar, at codon 558 of the BRIP1 protein (p.Trp558Arg). This variant is present in population databases (rs767648925, gnomAD 0.002%). This variant has not been reported in the literature in individuals affected with BRIP1-related conditions. ClinVar contains an entry for this variant (Variation ID: 530346). Invitae Evidence Modeling of protein sequence and biophysical properties (such as structural, functional, and spatial information, amino acid conservation, physicochemical variation, residue mobility, and thermodynamic stability) has been performed for this missense variant. However, the output from this modeling did not meet the statistical confidence thresholds required to predict the impact of this variant on BRIP1 protein function. In summary, the available evidence is currently insufficient to determine the role of this variant in disease. Therefore, it has been classified as a Variant of Uncertain Significance.

Ambry Genetics
Classification: Uncertain significance for Hereditary cancer-predisposing syndrome. Last evaluated: 2024-08-19. Review status: criteria provided, single submitter. Criteria: Ambry Variant Classification Scheme 2023. Collection method: clinical testing. Allele origin: germline.
Comment: The p.W558R variant (also known as c.1672T>C), located in coding exon 11 of the BRIP1 gene, results from a T to C substitution at nucleotide position 1672. The tryptophan at codon 558 is replaced by arginine, an amino acid with dissimilar properties. This amino acid position is highly conserved in available vertebrate species. In addition, this alteration is predicted to be deleterious by in silico analysis. Since supporting evidence is limited at this time, the clinical significance of this alteration remains unclear.

Baylor Genetics
Classification: Uncertain significance for Familial cancer of breast. Last evaluated: 2023-10-03. Review status: criteria provided, single submitter. Criteria: ACMG Guidelines, 2015. Collection method: clinical testing. Allele origin: unknown.

Department of Pathology and Laboratory Medicine, Sinai Health System
Classification: Uncertain significance for familial ovarian cancer. Last evaluated: 2023-09-27. Review status: criteria provided, single submitter. Criteria: ACMG Guidelines, 2015. Collection method: clinical testing. Allele origin: germline. Affected: no.

Color Diagnostics, LLC DBA Color Health
Classification: Uncertain significance for Hereditary cancer-predisposing syndrome. Last evaluated: 2019-07-18. Review status: criteria provided, single submitter. Criteria: ACMG Guidelines, 2015. Collection method: clinical testing. Allele origin: germline.
Comment: This missense variant replaces tryptophan with arginine at codon 558 of the BRIP1 protein. Computational prediction tools and conservation analyses suggest that this variant may have deleterious impact on the protein function. Computational splicing tools suggest that this variant may not impact RNA splicing. To our knowledge, functional assays have not been performed for this variant nor has this variant been reported in individuals affected with hereditary cancer in the literature. This variant has been identified in 2/251372 chromosomes in the general population by the Genome Aggregation Database (gnomAD). Available evidence is insufficient to determine the role of this variant in disease conclusively. Therefore, this variant is classified as a Variant of Uncertain Significance.